The following is an entry in ClinVar:

NM_000256.3(MYBPC3):c.1928-2A>G

Gene: MYBPC3 (myosin binding protein C3; minus strand). Cytogenetic location: 11p11.2.
Variant type: single nucleotide variant.
Coding change: c.1928-2A>G on transcript NM_000256.3 (MANE Select); the canonical splice acceptor site of the intron before coding-DNA position 1928, A replaced by G.
Molecular consequence: splice acceptor variant.
Genome position (GRCh38, 1-based): chr11:47,339,792, T>C on the plus strand (A>G on the coding strand, the complement: MYBPC3 is on the minus strand). VCF-style: chr11-47339792-T-C. GRCh37 (hg19) VCF-style: chr11-47361343-T-C.
Other names: MYBPC3, IVS, A-G; IVS, A-G.
Identifiers: ClinVar variation 42585 (VCV000042585.80), dbSNP rs397515937, ClinGen allele CA011513.

ClinVar aggregate classification (germline): Pathogenic. Review status: criteria provided, multiple submitters, no conflicts (2 of 4 stars). 26 submissions from 26 submitters: Pathogenic (23). 3 of the submissions do not count toward it. Last evaluated 2026-07-10.

Conditions:
Cardiovascular phenotype. Identifiers: MedGen CN230736.
MYBPC3-related disorder. Also called: MYBPC3-related disorders; MYBPC3-related condition; MYBPC3-related disease.
Hypertrophic cardiomyopathy 4. Also called: Familial hypertrophic cardiomyopathy 4. Identifiers: MedGen C1861862, MONDO:0007268, OMIM 115197.
Left ventricular noncompaction 10 (LVNC10). Identifiers: Orphanet 154, Orphanet 54260, MedGen C3715165, MONDO:0014163, OMIM 615396.
Cardiomyopathy (CMYO). Also called: Cardiomyopathies. Identifiers: Orphanet 167848, MedGen C0878544, MONDO:0004994, HP:0001638. Inheritance: Various modes of inheritance.
Primary familial hypertrophic cardiomyopathy (HCM). Identifiers: Orphanet 99739, MedGen C0949658, MeSH D024741, MONDO:0024573. Inheritance: Various modes of inheritance.
Hypertrophic cardiomyopathy. Also called: HYPERTROPHIC MYOCARDIOPATHY. Identifiers: Orphanet 217569, MedGen C0007194, MeSH D002312, MONDO:0005045, HP:0001639.

Allele frequency attached by ClinVar (database versions not stated): gnomAD exomes 0.00001.
gnomAD v4.1: 20 of 1,613,134 alleles (0.0012%); highest among the groups gnomAD compares: Non-Finnish European, 0.0016%; no homozygotes.

Submissions 1 to 9 of 26:

PreventionGenetics, part of Exact Sciences
Classification: Pathogenic for MYBPC3-related condition. Last evaluated: 2026-07-10. Review status: criteria provided, single submitter. Criteria: ACMG Guidelines, 2015. Collection method: clinical testing. Allele origin: germline.
Comment: The MYBPC3 c.1928-2A>G variant is predicted to disrupt the AG splice acceptor site and interfere with normal splicing. This variant has been reported in numerous individuals with hypertrophic cardiomyopathy (Bonne et al. 1995. PubMed ID: 7493026; Table S1B, Walsh et al. 2017. PubMed ID: 27532257). mRNA analysis identified aberrant splicing leading to premature protein termination (Erdmann et al. 2001. PubMed ID: 11499719; Helms et al. 2014. PubMed ID: 25031304). This variant has not been reported in a large population database (gnomAD), indicating this variant is rare. Variants that disrupt the consensus splice acceptor site in MYBPC3 are expected to be pathogenic. This variant is interpreted as pathogenic.

Institute of Human Genetics, University of Leipzig Medical Center
Classification: Pathogenic for Hypertrophic cardiomyopathy 4. Last evaluated: 2026-03-11. Review status: criteria provided, single submitter. Criteria: ACMG Guidelines, 2015. Collection method: clinical testing. Allele origin: unknown. Inheritance: Autosomal dominant inheritance. Affected: yes.
Comment: Criteria applied: PVS1,PS4,PM2_SUP

Variantyx, Inc.
Classification: Pathogenic for Hypertrophic cardiomyopathy 4. Last evaluated: 2026-01-08. Review status: criteria provided, single submitter. Criteria: Variantyx Assertion Criteria 2022. Collection method: clinical testing. Allele origin: germline. Inheritance: Autosomal dominant inheritance.
Comment: This is a canonical splicing variant in the MYBPC3 gene (OMIM: 600958). Pathogenic variants in this gene have been associated with autosomal dominant hypertrophic cardiomyopathy 4. This splicing variant is expected to result in loss of function, which is a known disease mechanism for MYBPC3 in this disorder (PMID: 19574547, 11499719) (PVS1). This variant has been reported in many unrelated affected individuals (PMID: 11499719, 7493026, 12707239, 18409188, 20439259, 20624503, 23140321, 23690394, 24510615) (PS4) and has a 0.0016% maximum allele frequency in non-founder control populations (PM2). Based on the evidence, this variant is classified as pathogenic for autosomal dominant hypertrophic cardiomyopathy 4.

Labcorp Genetics (formerly Invitae), Labcorp
Classification: Pathogenic for Hypertrophic cardiomyopathy. Last evaluated: 2025-12-12. Review status: criteria provided, single submitter. Criteria: Invitae Variant Classification Sherloc (09022015). Collection method: clinical testing. Allele origin: germline.
Comment: This sequence change affects an acceptor splice site in intron 20 of the MYBPC3 gene. It is expected to disrupt RNA splicing. Variants that disrupt the donor or acceptor splice site typically lead to a loss of protein function (PMID: 16199547), and loss-of-function variants in MYBPC3 are known to be pathogenic (PMID: 19574547). This variant is not present in population databases (gnomAD no frequency). Disruption of this splice site has been observed in individual(s) with hypertrophic cardiomyopathy (PMID: 7493026, 11499719, 12707239, 18409188, 20439259, 20624503, 23140321, 23690394, 24510615). ClinVar contains an entry for this variant (Variation ID: 42585). Studies have shown that disruption of this splice site alters mRNA splicing and is expected to lead to the loss of protein expression (PMID: 10610770, 11499719, 25031304). For these reasons, this variant has been classified as Pathogenic.

Clinical Genomics Laboratory, Washington University in St. Louis
Classification: Pathogenic for Hypertrophic cardiomyopathy 4. Last evaluated: 2025-11-07. Review status: criteria provided, single submitter. Criteria: ACMG Guidelines, 2015. Collection method: clinical testing. Allele origin: germline. Affected: yes.
Comment: The MYBPC3 c.1928-2A>G variant has been observed in multiple individuals affected with hypertrophic cardiomyopathy and has been shown to segregate with the disease in affected families, including two four-generation French families (Bonne G et al., PMID: 7493026; Charron P et al., PMID: 9631872; Erdmann J et al., PMID: 11499719; Flavigny J et al., PMID: 10610770; Richard P et al., PMID: 12707239; Teirlinck CH et al., PMID: 23140321). Functional studies show that analysis of MYBPC3 mRNA from patient lymphoblastoid cell lines results in aberrant splicing, causing the skipping of exon 21 and a frameshift with the introduction of a premature stop codon after amino acid residue 661, indicating that this variant impacts protein function (Bonne G et al., PMID: 7493026). Additional functional studies demonstrated altered expression of the variant in COS-7 cells. In fetal rat cardiomyocytes, only 11% of cells expressing the variant localized correctly in double stripes within the A-band of the sarcomere, though in a more diffuse pattern compared to wild type (Flavigny J et al., PMID: 10610770). This variant occurs within the canonical splice acceptor site and is predicted to cause exon skipping, leading to an out-of-frame transcript. This variant is only observed in 20/1,613,134 in the general population (gnomAD v.4.1.0), indicating it is not a common variant. This variant has been reported in the ClinVar database as a germline pathogenic variant by 22 submitters. Based on available information, and based on ClinGen Cardiomyopathy expert panel specification (ClinGen Criteria Specification Registry) for variant interpretation, this variant is classified as pathogenic.

CeGaT Center for Human Genetics Tuebingen
Classification: Pathogenic. Last evaluated: 2025-08-01. Review status: criteria provided, single submitter. Criteria: CeGaT Center For Human Genetics Tuebingen Variant Classification Criteria Version 2. Collection method: clinical testing. Allele origin: germline. Affected: yes. Observed: 3 variant alleles.
Comment: MYBPC3: PVS1, PS4, PM2

Blueprint Genetics
Classification: Pathogenic for MYBPC3-related disorders. Last evaluated: 2024-11-14. Review status: criteria provided, single submitter. Criteria: ACMG Guidelines, 2015. Collection method: clinical testing. Allele origin: germline. Affected: yes. Observed: 5 variant alleles.

Victorian Clinical Genetics Services, Murdoch Childrens Research Institute
Classification: Pathogenic for Hypertrophic cardiomyopathy 4. Last evaluated: 2024-10-10. Review status: criteria provided, single submitter. Criteria: ACMG Guidelines, 2015. Collection method: clinical testing. Allele origin: germline. Affected: yes.
Comment: Based on the classification scheme VCGS_Germline_v1.3.5, this variant is classified as Pathogenic. Following criteria are met: 0102 - Loss of function is a known mechanism of disease in this gene and is associated with hypertrophic cardiomyopathy 4 (HCM; MIM#115197). (I) 0108 - This gene is associated with both recessive and dominant disease. Dominant inheritance is frequently reported in adult onset conditions and recessive inheritance results in a more severe early onset phenotype (OMIM). (I) 0115 - Variants in this gene are known to have variable expressivity (PMID: 32841044). (I) 0211 - Canonical splice site variant without proven consequence on splicing. There are functional studies available in the literature; however, there is an inconclusive effect on splicing with several papers showing a different outcome. (SP) 0251 - This variant is heterozygous. (I) 0304 - Variant is present in gnomAD (v4) <0.001 (20 heterozygotes, 0 homozygotes). (SP) 0801 - This variant has strong previous evidence of pathogenicity in unrelated individuals. This variant has many pathogenic reports in individuals with HCM (ClinVar, PMID: 7493026, 11499719, 12974739, 18409188, 27532257). (SP) 1208 - Inheritance information for this variant is not currently available in this individual. (I) Legend: (SP) - Supporting pathogenic, (I) - Information, (SB) - Supporting benign

Color Diagnostics, LLC DBA Color Health
Classification: Pathogenic for Cardiomyopathy. Last evaluated: 2024-03-11. Review status: criteria provided, single submitter. Criteria: ACMG Guidelines, 2015. Collection method: clinical testing. Allele origin: germline.
Comment: This variant causes an A to G nucleotide substitution at the canonical -2 position of intron 20 of the MYBPC3 gene. Splice site prediction tools predict that this variant may have a significant impact on RNA splicing. RNA studies have confirmed that this variant causes aberrant splicing and is expected to result in an absent or disrupted protein product (PMID: 11499719, 25031304). This variant has been reported in over 40 individuals affected with hypertrophic cardiomyopathy (PMID: 7493026, 11499719, 18409188, 20439259, 20624503, 23140321, 23690394, 24510615, 25031304, 28615295, 30297972, 36291626, 37821546). This variant has not been identified in the general population by the Genome Aggregation Database (gnomAD). Loss of MYBPC3 function is a known mechanism of disease. Based on the available evidence, this variant is classified as Pathogenic.